The following is an entry in ClinVar:

ClinVar aggregate classification (germline): Likely benign. Review status: criteria provided, single submitter (1 of 4 stars). 2 submissions from 2 submitters: Likely benign (1). 1 of the submissions does not count toward it. Last evaluated 2021-11-12.

Conditions:
Inborn genetic diseases. Identifiers: MedGen C0950123, MeSH D030342.
CUX1-related disorder. Also called: CUX1-related condition.

Allele frequency attached by ClinVar (database versions not stated): ExAC 0.00008; gnomAD 0.00029; 1000 Genomes Project 30x 0.00031; TOPMed 0.00037; ESP Exome Variant Server 0.00046; 1000 Genomes Project 0.00060.
gnomAD v4.1: 101 of 1,612,642 alleles (0.0063%); highest among the groups gnomAD compares: African/African-American, 0.12%; no homozygotes.

Submissions (2):

Ambry Genetics
Classification: Likely benign for Inborn genetic diseases. Last evaluated: 2021-11-12. Review status: criteria provided, single submitter. Criteria: Ambry Variant Classification Scheme 2023. Collection method: clinical testing. Allele origin: germline.

PreventionGenetics, part of Exact Sciences
Classification: Likely benign for CUX1-related condition. Last evaluated: 2022-11-11. Review status: no assertion criteria provided. Collection method: clinical testing. Allele origin: germline. Not counted in ClinVar's aggregate classification.
Comment: This variant is classified as likely benign based on ACMG/AMP sequence variant interpretation guidelines (Richards et al. 2015 PMID: 25741868, with internal and published modifications).

NM_181552.4(CUX1):c.2416G>C (p.Val806Leu)

Gene: CUX1 (cut like homeobox 1; plus strand). Cytogenetic location: 7q22.1.
Variant type: single nucleotide variant.
Coding change: c.2416G>C on transcript NM_181552.4 (MANE Select); coding-DNA position 2416, G replaced by C.
Protein change: p.Val806Leu; replaces valine 806 with leucine.
Molecular consequence: missense variant. On other transcripts: intron variant (5).
Genome position (GRCh38, 1-based): chr7:102,201,713, G>C. VCF-style: chr7-102201713-G-C. GRCh37 (hg19) VCF-style: chr7-101844993-G-C.
Other names: c.2449G>C, p.Val817Leu (NM_001202543.2); c.1255+6110G>C (NM_001913.5); c.1249+6110G>C (NM_181500.4); c.1117+6110G>C (NM_001202545.3); c.1207+6110G>C (NM_001202544.3); c.1138+6110G>C (NM_001202546.3); short protein forms V806L, V817L.
Identifiers: ClinVar variation 2231189 (VCV002231189.4), dbSNP rs147691184, ClinGen allele CA4411062.